The following is an entry in ClinVar:

NM_000744.7(CHRNA4):c.274-1G>A

Genes: CHRNA4 (cholinergic receptor nicotinic alpha 4 subunit; minus strand), LOC126863087 (P300/CBP strongly-dependent group 1 enhancer GRCh37_chr20:61986832-61988031; plus strand). Cytogenetic location: 20q13.33.
Variant type: single nucleotide variant.
Coding change: c.274-1G>A on transcript NM_000744.7 (MANE Select); the canonical splice acceptor site of the intron before coding-DNA position 274, G replaced by A.
Molecular consequence: splice acceptor variant. On other transcripts: non-coding transcript variant (1).
Genome position (GRCh38, 1-based): chr20:63,356,085, C>T on the plus strand (G>A on the coding strand, the complement: CHRNA4 is on the minus strand). VCF-style: chr20-63356085-C-T. GRCh37 (hg19) VCF-style: chr20-61987437-C-T.
Other names: c.-273-1G>A (NM_001256573.2).
Identifiers: ClinVar variation 963252 (VCV000963252.12), dbSNP rs1331861720, ClinGen allele CA409641413.
Genomic context (GRCh38, chr20:63,356,085, plus strand): 5'-GATGGAGGTGACATTCTCATAGTCAGCTGGGTCCCAGCGCAGCTTGTAGTCGTGCCACTC[C>T]TGGATGAGGTGGGGCGGGGGGAGGCTGCAGGGTGAGGGGTGTGGGGGAGGGCAGGGGCGG-3'

ClinVar aggregate classification (germline): Uncertain significance. Review status: criteria provided, multiple submitters, no conflicts (2 of 4 stars). 3 submissions from 3 submitters: Uncertain significance (3). Last evaluated 2025-10-26.

Conditions:
Familial sleep-related hypermotor epilepsy. Also called: Autosomal Dominant Sleep-Related Hypermotor (Hyperkinetic) Epilepsy. Identifiers: Orphanet 98784, MedGen C3696898, MONDO:0000030.

Allele frequency attached by ClinVar (database versions not stated): gnomAD 0.00001; gnomAD exomes 0.00003 and 0.00008.
gnomAD v4.1: 105 of 1,444,166 alleles (0.0073%); highest among the groups gnomAD compares: Non-Finnish European, 0.0097%; no homozygotes.

Submissions (3):

Labcorp Genetics (formerly Invitae), Labcorp
Classification: Uncertain significance. Last evaluated: 2025-10-26. Review status: criteria provided, single submitter. Criteria: Invitae Variant Classification Sherloc (09022015). Collection method: clinical testing. Allele origin: germline.
Comment: This sequence change affects an acceptor splice site in intron 3 of the CHRNA4 gene. It is expected to disrupt RNA splicing. Variants that disrupt the donor or acceptor splice site typically lead to a loss of protein function (PMID: 16199547), however the current clinical and genetic evidence is not sufficient to establish whether loss-of-function variants in CHRNA4 cause disease. This variant is present in population databases (no rsID available, gnomAD 0.006%). This variant has not been reported in the literature in individuals affected with CHRNA4-related conditions. ClinVar contains an entry for this variant (Variation ID: 963252). Algorithms developed to predict the effect of sequence changes on RNA splicing suggest that this variant may disrupt the consensus splice site. In summary, the available evidence is currently insufficient to determine the role of this variant in disease. Therefore, it has been classified as a Variant of Uncertain Significance.

Mayo Clinic Laboratories, Mayo Clinic
Classification: Uncertain significance. Last evaluated: 2021-04-12. Review status: criteria provided, single submitter. Criteria: ACMG Guidelines, 2015. Collection method: clinical testing. Allele origin: germline.

Blueprint Genetics
Classification: Uncertain significance. Last evaluated: 2020-09-05. Review status: criteria provided, single submitter. Criteria: ACMG Guidelines, 2015. Collection method: clinical testing. Allele origin: germline.

Literature cited by the submitters: PubMed 16199547 (cited by Labcorp Genetics (formerly Invitae), Labcorp).